The following is an entry in ClinVar:

NM_006031.6(PCNT):c.5518C>T (p.Arg1840Cys)

Gene: PCNT (pericentrin; plus strand). Cytogenetic location: 21q22.3.
Variant type: single nucleotide variant.
Coding change: c.5518C>T on transcript NM_006031.6 (MANE Select); coding-DNA position 5518, C replaced by T.
Protein change: p.Arg1840Cys; replaces arginine 1840 with cysteine.
Molecular consequence: missense variant.
Genome position (GRCh38, 1-based): chr21:46,411,591, C>T. VCF-style: chr21-46411591-C-T. GRCh37 (hg19) VCF-style: chr21-47831505-C-T.
Other names: c.5164C>T, p.Arg1722Cys (NM_001315529.2); c.5518C>T (NM_006031.5); short protein forms R1722C, R1840C.
Identifiers: ClinVar variation 2060301 (VCV002060301.6), dbSNP rs777991572, ClinGen allele CA10080008.

ClinVar aggregate classification (germline): Uncertain significance. Review status: criteria provided, multiple submitters, no conflicts (2 of 4 stars). 3 submissions from 3 submitters: Uncertain significance (2). 1 of the submissions does not count toward it. Last evaluated 2024-10-29.

Conditions:
PCNT-related disorder. Also called: PCNT-related condition.
Inborn genetic diseases. Identifiers: MedGen C0950123, MeSH D030342.

Allele frequency attached by ClinVar (database versions not stated): ExAC 0.00003; gnomAD 0.00002.
gnomAD v4.1: 20 of 1,612,822 alleles (0.0012%); highest among the groups gnomAD compares: African/African-American, 0.0053%; no homozygotes.

Submissions (3):

Labcorp Genetics (formerly Invitae), Labcorp
Classification: Uncertain significance. Last evaluated: 2024-10-29. Review status: criteria provided, single submitter. Criteria: Invitae Variant Classification Sherloc (09022015). Collection method: clinical testing. Allele origin: germline.
Comment: This sequence change replaces arginine, which is basic and polar, with cysteine, which is neutral and slightly polar, at codon 1840 of the PCNT protein (p.Arg1840Cys). This variant is present in population databases (rs777991572, gnomAD 0.01%). This variant has not been reported in the literature in individuals affected with PCNT-related conditions. ClinVar contains an entry for this variant (Variation ID: 2060301). An algorithm developed to predict the effect of missense changes on protein structure and function outputs the following: PolyPhen-2: "Possibly Damaging". The cysteine amino acid residue is found in multiple mammalian species, which suggests that this missense change does not adversely affect protein function. In summary, the available evidence is currently insufficient to determine the role of this variant in disease. Therefore, it has been classified as a Variant of Uncertain Significance.

Ambry Genetics
Classification: Uncertain significance for Inborn genetic diseases. Last evaluated: 2024-10-24. Review status: criteria provided, single submitter. Criteria: Ambry Variant Classification Scheme 2023. Collection method: clinical testing. Allele origin: germline.

PreventionGenetics, part of Exact Sciences
Classification: Uncertain significance for PCNT-related condition. Last evaluated: 2023-12-04. Review status: no assertion criteria provided. Collection method: clinical testing. Allele origin: germline. Not counted in ClinVar's aggregate classification.
Comment: The PCNT c.5518C>T variant is predicted to result in the amino acid substitution p.Arg1840Cys. To our knowledge, this variant has not been reported in the literature. This variant is reported in 0.013% of alleles in individuals of African descent in gnomAD. At this time, the clinical significance of this variant is uncertain due to the absence of conclusive functional and genetic evidence.